The following is an entry in ClinVar:

ClinVar aggregate classification (germline): Likely benign. Review status: criteria provided, multiple submitters, no conflicts (2 of 4 stars). 3 submissions from 3 submitters: Likely benign (2). 1 of the submissions does not count toward it. Last evaluated 2026-01-06.

Conditions:
KMT2D-related disorder. Also called: KMT2D-Related Disorders.
Kabuki syndrome. Also called: NIIKAWA-KUROKI SYNDROME; Kabuki make-up syndrome. Identifiers: Orphanet 2322, MedGen C0796004, MONDO:0016512.

Allele frequency attached by ClinVar (database versions not stated): gnomAD exomes 0.00006 and 0.00005; TOPMed 0.00003; ExAC 0.00004.
gnomAD v4.1: 27 of 1,612,740 alleles (0.0017%); highest among the groups gnomAD compares: Admixed American, 0.045%; no homozygotes.

Submissions (3):

Labcorp Genetics (formerly Invitae), Labcorp
Classification: Likely benign for Kabuki syndrome. Last evaluated: 2026-01-06. Review status: criteria provided, single submitter. Criteria: Invitae Variant Classification Sherloc (09022015). Collection method: clinical testing. Allele origin: germline.

Eurofins Ntd Llc (ga)
Classification: Likely benign. Last evaluated: 2015-06-09. Review status: criteria provided, single submitter. Criteria: EGL Classification Definitions 2015. Collection method: clinical testing. Allele origin: germline. Observed: 2 variant alleles, 2 heterozygotes.

PreventionGenetics, part of Exact Sciences
Classification: Likely benign for KMT2D-related condition. Last evaluated: 2023-02-25. Review status: no assertion criteria provided. Collection method: clinical testing. Allele origin: germline. Not counted in ClinVar's aggregate classification.
Comment: This variant is classified as likely benign based on ACMG/AMP sequence variant interpretation guidelines (Richards et al. 2015 PMID: 25741868, with internal and published modifications).

NM_003482.4(KMT2D):c.2204G>T (p.Cys735Phe)

Gene: KMT2D (lysine methyltransferase 2D; minus strand). Cytogenetic location: 12q13.12.
Variant type: single nucleotide variant.
Coding change: c.2204G>T on transcript NM_003482.4 (MANE Select); coding-DNA position 2204, G replaced by T.
Protein change: p.Cys735Phe; replaces cysteine 735 with phenylalanine.
Molecular consequence: missense variant.
Genome position (GRCh38, 1-based): chr12:49,051,479, C>A on the plus strand (G>T on the coding strand, the complement: KMT2D is on the minus strand). VCF-style: chr12-49051479-C-A. GRCh37 (hg19) VCF-style: chr12-49445262-C-A.
Other names: c.2204G>T (NM_003482.3); short protein forms C735F.
Identifiers: ClinVar variation 193660 (VCV000193660.14), dbSNP rs772901550, ClinGen allele CA239240.